The following is an entry in ClinVar:

ClinVar aggregate classification (germline): Pathogenic. Review status: criteria provided, single submitter (1 of 4 stars). 2 submissions from 2 submitters: Pathogenic (1). 1 of the submissions does not count toward it. Last evaluated 2023-11-10.

Conditions:
Glycine encephalopathy 1 (GCE1). Identifiers: MedGen CN376801, MONDO:0958179, OMIM 605899.
Glycine encephalopathy. Also called: Non-ketotic hyperglycinemia; Nonketotic hyperglycinemia. Identifiers: Orphanet 407, MedGen C0751748, MONDO:0011612, HP:0008288.

Submissions (2):

Labcorp Genetics (formerly Invitae), Labcorp
Classification: Pathogenic for Glycine encephalopathy. Last evaluated: 2023-11-10. Review status: criteria provided, single submitter. Criteria: Invitae Variant Classification Sherloc (09022015). Collection method: clinical testing. Allele origin: germline.
Comment: This sequence change replaces phenylalanine, which is neutral and non-polar, with leucine, which is neutral and non-polar, at codon 395 of the GLDC protein (p.Phe395Leu). This variant is not present in population databases (gnomAD no frequency). This missense change has been observed in individual(s) with non-ketotic hyperglycinemia (PMID: 27362913). In at least one individual the data is consistent with being in trans (on the opposite chromosome) from a pathogenic variant. ClinVar contains an entry for this variant (Variation ID: 554514). Advanced modeling of protein sequence and biophysical properties (such as structural, functional, and spatial information, amino acid conservation, physicochemical variation, residue mobility, and thermodynamic stability) performed at Invitae indicates that this missense variant is not expected to disrupt GLDC protein function with a negative predictive value of 80%. For these reasons, this variant has been classified as Pathogenic.

Counsyl
Classification: Uncertain significance for Glycine encephalopathy 1. Last evaluated: 2017-10-24. Review status: no assertion criteria provided. Collection method: clinical testing. Allele origin: unknown. Not counted in ClinVar's aggregate classification.

Literature cited by the submitters: PubMed 27362913 (cited by Labcorp Genetics (formerly Invitae), Labcorp and Counsyl).

NM_000170.3(GLDC):c.1183T>C (p.Phe395Leu)

Gene: GLDC (glycine decarboxylase; minus strand). Cytogenetic location: 9p24.1.
Variant type: single nucleotide variant.
Coding change: c.1183T>C on transcript NM_000170.3 (MANE Select); coding-DNA position 1183, T replaced by C.
Protein change: p.Phe395Leu; replaces phenylalanine 395 with leucine.
Molecular consequence: missense variant.
Genome position (GRCh38, 1-based): chr9:6,595,092, A>G on the plus strand (T>C on the coding strand, the complement: GLDC is on the minus strand). VCF-style: chr9-6595092-A-G. GRCh37 (hg19) VCF-style: chr9-6595092-A-G.
Other names: short protein forms F395L.
Identifiers: ClinVar variation 554514 (VCV000554514.5), dbSNP rs767200188, ClinGen allele CA372894359.